The following is an entry in ClinVar:

NM_024422.6(DSC2):c.996T>G (p.Tyr332Ter)

Gene: DSC2 (desmocollin 2; minus strand). Cytogenetic location: 18q12.1.
Variant type: single nucleotide variant.
Coding change: c.996T>G on transcript NM_024422.6 (MANE Select); coding-DNA position 996, T replaced by G.
Protein change: p.Tyr332Ter; replaces tyrosine 332 with a stop codon.
Molecular consequence: nonsense.
Genome position (GRCh38, 1-based): chr18:31,083,007, A>C on the plus strand (T>G on the coding strand, the complement: DSC2 is on the minus strand). VCF-style: chr18-31083007-A-C. GRCh37 (hg19) VCF-style: chr18-28662973-A-C.
Other names: c.996T>G, p.Tyr332Ter (NM_004949.5); c.996T>G (NM_024422.3); short protein forms Y332*.
Identifiers: ClinVar variation 468388 (VCV000468388.7), dbSNP rs1555639134, ClinGen allele CA402110751.

ClinVar aggregate classification (germline): Pathogenic/Likely pathogenic. Review status: criteria provided, multiple submitters, no conflicts (2 of 4 stars). 2 submissions from 2 submitters: Pathogenic (1); Likely pathogenic (1). Last evaluated 2026-04-02.

Conditions:
Arrhythmogenic right ventricular dysplasia 11. Also called: Arrhythmogenic Right Ventricular Dysplasia/Cardiomyopathy11; ARRHYTHMOGENIC RIGHT VENTRICULAR DYSPLASIA, FAMILIAL, 11; Arrhythmogenic right ventricular dysplasia 11 with mild palmoplantar keratoderma and woolly hair. Identifiers: MedGen C1864850, MONDO:0012506, OMIM 610476.

Submissions (2):

GeneDx
Classification: Likely pathogenic. Last evaluated: 2026-04-02. Review status: criteria provided, single submitter. Criteria: GeneDx Variant Classification Process June 2021. Collection method: clinical testing. Allele origin: germline.
Comment: Nonsense variant predicted to result in protein truncation or nonsense mediated decay in a gene for which loss of function is a known mechanism of disease; Not observed at significant frequency in large population cohorts (gnomAD); This variant is associated with the following publications: (PMID: 31319917, 32009526)

Labcorp Genetics (formerly Invitae), Labcorp
Classification: Pathogenic for Arrhythmogenic right ventricular dysplasia 11. Last evaluated: 2017-11-07. Review status: criteria provided, single submitter. Criteria: Invitae Variant Classification Sherloc (09022015). Collection method: clinical testing. Allele origin: germline.
Comment: While this particular variant has not been reported in the literature, loss-of-function variants in DSC2 are known to be pathogenic (PMID: 23911551). For these reasons, this variant has been classified as Pathogenic. This sequence change creates a premature translational stop signal at codon 332 (p.Tyr332*) of the DSC2 gene. It is expected to result in an absent or disrupted protein product.

Literature cited by the submitters: PubMed 23911551 (cited by Labcorp Genetics (formerly Invitae), Labcorp).